The following is an entry in ClinVar:

NM_000053.4(ATP7B):c.884A>G (p.Lys295Arg)

Gene: ATP7B (ATPase copper transporting beta; minus strand). Cytogenetic location: 13q14.3.
Variant type: single nucleotide variant.
Coding change: c.884A>G on transcript NM_000053.4 (MANE Select); coding-DNA position 884, A replaced by G.
Protein change: p.Lys295Arg; replaces lysine 295 with arginine.
Molecular consequence: missense variant. On other transcripts: intron variant (2).
Genome position (GRCh38, 1-based): chr13:51,974,336, T>C on the plus strand (A>G on the coding strand, the complement: ATP7B is on the minus strand). VCF-style: chr13-51974336-T-C. GRCh37 (hg19) VCF-style: chr13-52548472-T-C.
Other names: c.884A>G, p.Lys295Arg (NM_001406541.1, NM_001406538.1, NM_001406542.1 and 29 more transcripts); c.788A>G, p.Lys263Arg (NM_001406536.1, NM_001406517.1, NM_001406518.1 and 3 more transcripts); c.802+82A>G (NM_001243182.2); c.706+82A>G (NM_001406539.1); short protein forms K263R, K295R.
Identifiers: ClinVar variation 3070894 (VCV003070894.1), dbSNP rs1053172875, ClinGen allele CA250067025.

ClinVar aggregate classification (germline): Uncertain significance (1 of 4 stars; one submission).

Conditions:
Wilson disease (WND). Also called: Wilson's disease. Identifiers: Orphanet 905, MedGen C0019202, MONDO:0010200, OMIM 277900. Disease mechanism: loss of function.

Allele frequency attached by ClinVar (database versions not stated): gnomAD 0.00001; TOPMed 0.00002.
gnomAD v4.1: 4 of 1,613,984 alleles (0.00025%); highest among the groups gnomAD compares: African/African-American, 0.0053%; no homozygotes.

Submission:

All of Us Research Program, National Institutes of Health
Classification: Uncertain significance for Wilson disease. Last evaluated: 2023-05-04. Review status: criteria provided, single submitter. Criteria: ACMG Guidelines, 2015. Collection method: clinical testing. Allele origin: germline. Inheritance: Autosomal recessive inheritance. Observed: 1 variant allele, 1 heterozygote.
Comment: This missense variant replaces lysine with arginine at codon 295 of the ATP7B protein. Computational prediction suggests that this variant may not impact protein structure and function (internally defined REVEL score threshold <= 0.5, PMID: 27666373). To our knowledge, functional studies have not been reported for this variant. This variant has not been reported in individuals affected with ATP7B-related disorders in the literature. This variant has not been identified in the general population by the Genome Aggregation Database (gnomAD). The available evidence is insufficient to determine the role of this variant in disease conclusively. Therefore, this variant is classified as a Variant of Uncertain Significance.

This study involves interpretation of variants in research participants for the purpose of population health screening. Participant phenotype was not available at the time of variant classification. Additional details can be found in publication PMID: 35346344, PMCID: PMC8962531